The following is an entry in ClinVar:

ClinVar aggregate classification (germline): Benign. Review status: criteria provided, multiple submitters, no conflicts (2 of 4 stars). 9 submissions from 9 submitters: Benign (7). 2 of the submissions do not count toward it. Last evaluated 2026-02-02.

Conditions:
Holoprosencephaly 11 (HPE11). Identifiers: Orphanet 2162, MedGen C3280215, MONDO:0013642, OMIM 614226.

Allele frequency attached by ClinVar (database versions not stated): 1000 Genomes Project 0.30252; 1000 Genomes Project 30x 0.30434; ExAC 0.31269; gnomAD exomes 0.31754 and 0.31910; gnomAD 0.34134 and 0.34680; TOPMed 0.34166; ESP Exome Variant Server 0.34538.
gnomAD v4.1: 507,564 of 1,580,472 alleles (32%); highest among the groups gnomAD compares: African/African-American, 38%; 84,210 homozygotes.

Submissions (9):

Labcorp Genetics (formerly Invitae), Labcorp
Classification: Benign for Holoprosencephaly 11. Last evaluated: 2026-02-02. Review status: criteria provided, single submitter. Criteria: Invitae Variant Classification Sherloc (09022015). Collection method: clinical testing. Allele origin: germline.

Blueprint Genetics
Classification: Benign. Last evaluated: 2024-11-27. Review status: criteria provided, single submitter. Criteria: ACMG Guidelines, 2015. Collection method: clinical testing. Allele origin: germline.

Genome-Nilou Lab
Classification: Benign for Holoprosencephaly 11. Last evaluated: 2021-07-22. Review status: criteria provided, single submitter. Criteria: ACMG Guidelines, 2015. Collection method: clinical testing. Allele origin: germline. Affected: no.

GeneDx
Classification: Benign. Last evaluated: 2018-11-10. Review status: criteria provided, single submitter. Criteria: GeneDx Variant Classification Process June 2021. Collection method: clinical testing. Allele origin: germline. Affected: yes.

Illumina Laboratory Services, Illumina
Classification: Benign for Holoprosencephaly 11. Last evaluated: 2018-01-13. Review status: criteria provided, single submitter. Criteria: ICSL Variant Classification Criteria 13 December 2019. Collection method: clinical testing. Allele origin: germline.
Comment: This variant was observed in the ICSL laboratory as part of a predisposition screen in an ostensibly healthy population. It had not been previously curated by ICSL or reported in the Human Gene Mutation Database (HGMD: prior to June 1st, 2018), and was therefore a candidate for classification through an automated scoring system. Utilizing variant allele frequency, disease prevalence and penetrance estimates, and inheritance mode, an automated score was calculated to assess if this variant is too frequent to cause the disease. Based on the score and internal cut-off values, a variant classified as benign is not then subjected to further curation. The score for this variant resulted in a classification of benign for this disease.

Breakthrough Genomics
Classification: Benign. Review status: criteria provided, single submitter. Criteria: ACMG Guidelines, 2015. Collection method: not provided. Allele origin: germline. Inheritance: Autosomal dominant inheritance. Affected: yes.

PreventionGenetics, part of Exact Sciences
Classification: Benign. Review status: criteria provided, single submitter. Criteria: ACMG Guidelines, 2015. Collection method: clinical testing. Allele origin: germline.

Clinical Genetics, Academic Medical Center
Classification: Benign. Review status: no assertion criteria provided. Collection method: clinical testing. Allele origin: germline. Affected: yes. Study: VKGL Data-share Consensus. Not counted in ClinVar's aggregate classification.

Diagnostic Laboratory, Department of Genetics, University Medical Center Groningen
Classification: Benign. Review status: no assertion criteria provided. Collection method: clinical testing. Allele origin: germline. Affected: yes. Study: VKGL Data-share Consensus. Not counted in ClinVar's aggregate classification.

NM_001378964.1(CDON):c.2037G>A (p.Ala679=)

Gene: CDON (cell adhesion associated, oncogene regulated; minus strand). Cytogenetic location: 11q24.2.
Variant type: single nucleotide variant.
Coding change: c.2037G>A on transcript NM_001378964.1 (MANE Select); coding-DNA position 2037, G replaced by A.
Protein change: p.Ala679=; no amino-acid change (alanine 679 retained).
Molecular consequence: synonymous variant.
Genome position (GRCh38, 1-based): chr11:126,001,840, C>T on the plus strand (G>A on the coding strand, the complement: CDON is on the minus strand). VCF-style: chr11-126001840-C-T. GRCh37 (hg19) VCF-style: chr11-125871735-C-T.
Other names: c.2037G>A, p.Ala679= (NM_001243597.3, NM_016952.6).
Identifiers: ClinVar variation 260784 (VCV000260784.22), dbSNP rs516664, ClinGen allele CA6351857.
Genomic context (GRCh38, chr11:126,001,840, plus strand): 5'-AACAACGGGATACTTAGGGATGCCCACGGGTGGAGAGGATGCCTGGGTGTTTTTTGATGA[C>T]GCTGTTTTTTCTAGAAAGGTAAATAAACATATACAGTAACATAAGCATATATGTATGTAA-3'
Protein context (NP_001365893.1, residues 669-689): LTFRTSKEKT[Ala679=]SSKNTQASSP